The following is an entry in ClinVar:

NM_177438.3(DICER1):c.3585C>G (p.Asp1195Glu)

Gene: DICER1 (dicer 1, ribonuclease III; minus strand). Cytogenetic location: 14q32.13.
Variant type: single nucleotide variant.
Coding change: c.3585C>G on transcript NM_177438.3 (MANE Select); coding-DNA position 3585, C replaced by G.
Protein change: p.Asp1195Glu; replaces aspartic acid 1195 with glutamic acid.
Molecular consequence: missense variant. On other transcripts: non-coding transcript variant (6).
Genome position (GRCh38, 1-based): chr14:95,103,811, G>C on the plus strand (C>G on the coding strand, the complement: DICER1 is on the minus strand). VCF-style: chr14-95103811-G-C. GRCh37 (hg19) VCF-style: chr14-95570148-G-C.
Other names: c.3585C>G, p.Asp1195Glu (NM_001195573.1, NM_001271282.3, NM_001291628.2 and 12 more transcripts); c.3303C>G, p.Asp1101Glu (NM_001395686.1); c.3180C>G, p.Asp1060Glu (NM_001395687.1, NM_001395688.1, NM_001395689.1 and 2 more transcripts); c.3018C>G, p.Asp1006Glu (NM_001395691.1); c.1902C>G, p.Asp634Glu (NM_001395697.1); short protein forms D1195E, D1060E, D634E, D1006E, D1101E.
Identifiers: ClinVar variation 3651600 (VCV003651600.2).

ClinVar aggregate classification (germline): Uncertain significance (1 of 4 stars; one submission).

Conditions:
DICER1-related tumor predisposition. Also called: DICER1 syndrome; DICER1-related pleuropulmonary blastoma cancer predisposition syndrome. Identifiers: Orphanet 284343, MedGen C3839822, MONDO:0100216.

Submission:

Labcorp Genetics (formerly Invitae), Labcorp
Classification: Uncertain significance for DICER1-related tumor predisposition. Last evaluated: 2024-04-30. Review status: criteria provided, single submitter. Criteria: Invitae Variant Classification Sherloc (09022015). Collection method: clinical testing. Allele origin: germline.
Comment: This sequence change replaces aspartic acid, which is acidic and polar, with glutamic acid, which is acidic and polar, at codon 1195 of the DICER1 protein (p.Asp1195Glu). This variant is not present in population databases (gnomAD no frequency). This variant has not been reported in the literature in individuals affected with DICER1-related conditions. An algorithm developed to predict the effect of missense changes on protein structure and function (PolyPhen-2) suggests that this variant is likely to be tolerated. In summary, the available evidence is currently insufficient to determine the role of this variant in disease. Therefore, it has been classified as a Variant of Uncertain Significance.